The following is an entry in ClinVar:

NM_004247.4(EFTUD2):c.2800A>G (p.Met934Val)

Gene: EFTUD2 (elongation factor Tu GTP binding domain containing 2; minus strand). Cytogenetic location: 17q21.31.
Variant type: single nucleotide variant.
Coding change: c.2800A>G on transcript NM_004247.4 (MANE Select); coding-DNA position 2800, A replaced by G.
Protein change: p.Met934Val; replaces methionine 934 with valine.
Molecular consequence: missense variant.
Genome position (GRCh38, 1-based): chr17:44,851,733, T>C on the plus strand (A>G on the coding strand, the complement: EFTUD2 is on the minus strand). VCF-style: chr17-44851733-T-C. GRCh37 (hg19) VCF-style: chr17-42929101-T-C.
Other names: c.2695A>G, p.Met899Val (NM_001142605.2); c.2800A>G, p.Met934Val (NM_001258353.2); c.2770A>G, p.Met924Val (NM_001258354.2); short protein forms M899V, M924V, M934V.
Identifiers: ClinVar variation 3371699 (VCV003371699.2).
Genomic context (GRCh38, chr17:44,851,733, plus strand): 5'-GGGTTGAGGGATGGCAACAGGCCCAAGGGAGACATACCTTCCTACGGCGGGTTTTGATCA[T>C]GAATTCCCGGGCCAGGTGAGGAGCTGGCTGTGGCTCCAAGGGGCGGATGACAATGCTCTT-3'
Protein context (NP_004238.3, residues 924-944): QPAPHLAREF[Met934Val]IKTRRRKGLS

ClinVar aggregate classification (germline): Uncertain significance (1 of 4 stars; one submission).

Submission:

GeneDx
Classification: Uncertain significance. Last evaluated: 2025-06-20. Review status: criteria provided, single submitter. Criteria: GeneDx Variant Classification Process June 2021. Collection method: clinical testing. Allele origin: germline. Affected: yes.
Comment: Not observed at significant frequency in large population cohorts (gnomAD); In silico analysis supports that this missense variant has a deleterious effect on protein structure/function; Has not been previously published as pathogenic or benign to our knowledge